The following is an entry in ClinVar:

ClinVar aggregate classification (germline): Uncertain significance. Review status: criteria provided, multiple submitters, no conflicts (2 of 4 stars). 4 submissions from 4 submitters: Uncertain significance (3). 1 of the submissions does not count toward it. Last evaluated 2025-01-29.

Conditions:
Inborn genetic diseases. Identifiers: MedGen C0950123, MeSH D030342.
Adult hypophosphatasia. Identifiers: Orphanet 247676, Orphanet 436, MedGen C0268413, MONDO:1010154, OMIM 146300, MONDO:0007798.
Childhood hypophosphatasia. Identifiers: Orphanet 247667, Orphanet 436, MedGen C0220743, MONDO:1010168, OMIM 241510, MONDO:0009428.
Infantile hypophosphatasia. Identifiers: Orphanet 247651, Orphanet 436, MedGen C0268412, MONDO:1010169, OMIM 241500, MONDO:0009427.

Allele frequency attached by ClinVar (database versions not stated): gnomAD 0.00003 and 0.00004; TOPMed 0.00004.
gnomAD v4.1: 8 of 1,613,924 alleles (0.0005%); highest among the groups gnomAD compares: African/African-American, 0.008%; no homozygotes.

Submissions (4):

GeneDx
Classification: Uncertain significance. Last evaluated: 2025-01-29. Review status: criteria provided, single submitter. Criteria: GeneDx Variant Classification Process June 2021. Collection method: clinical testing. Allele origin: germline. Affected: yes.
Comment: In silico analysis indicates that this missense variant does not alter protein structure/function; Has not been previously published as pathogenic or benign to our knowledge

Fulgent Genetics
Classification: Uncertain significance for Adult hypophosphatasia; Infantile hypophosphatasia; Childhood hypophosphatasia. Last evaluated: 2024-01-23. Review status: criteria provided, single submitter. Criteria: ACMG Guidelines, 2015. Collection method: clinical testing. Allele origin: germline.

Ambry Genetics
Classification: Uncertain significance for Inborn genetic diseases. Last evaluated: 2021-05-18. Review status: criteria provided, single submitter. Criteria: Ambry Variant Classification Scheme 2023. Collection method: clinical testing. Allele origin: germline.
Comment: The c.610A>G (p.I204V) alteration is located in exon 6 (coding exon 5) of the ALPL gene. This alteration results from a A to G substitution at nucleotide position 610, causing the isoleucine (I) at amino acid position 204 to be replaced by a valine (V). The in silico prediction for the p.I204V alteration is inconclusive. Based on insufficient or conflicting evidence, the clinical significance of this alteration remains unclear.

Gharavi Laboratory, Columbia University
Classification: Uncertain significance. Last evaluated: 2018-09-16. Review status: no assertion criteria provided. Criteria: ACMG Guidelines, 2015. Collection method: research. Allele origin: germline. Affected: yes. Not counted in ClinVar's aggregate classification.

NM_000478.6(ALPL):c.610A>G (p.Ile204Val)

Gene: ALPL (alkaline phosphatase, biomineralization associated; plus strand). Cytogenetic location: 1p36.12.
Variant type: single nucleotide variant.
Coding change: c.610A>G on transcript NM_000478.6 (MANE Select); coding-DNA position 610, A replaced by G.
Protein change: p.Ile204Val; replaces isoleucine 204 with valine.
Molecular consequence: missense variant.
Genome position (GRCh38, 1-based): chr1:21,564,178, A>G. VCF-style: chr1-21564178-A-G. GRCh37 (hg19) VCF-style: chr1-21890671-A-G.
Other names: c.445A>G, p.Ile149Val (NM_001127501.4); c.379A>G, p.Ile127Val (NM_001177520.3); c.610A>G, p.Ile204Val (NM_001369803.2, NM_001369804.2, NM_001369805.2); c.610A>G (NM_000478.4); short protein forms I204V, I127V, I149V.
Identifiers: ClinVar variation 591818 (VCV000591818.7), dbSNP rs374558572, ClinGen allele CA19060357.